The following is an entry in ClinVar:

ClinVar aggregate classification (germline): Pathogenic/Likely pathogenic. Review status: criteria provided, multiple submitters, no conflicts (2 of 4 stars). 4 submissions from 4 submitters: Pathogenic (2); Likely pathogenic (2). Last evaluated 2025-01-18.

Conditions:
Autosomal recessive nonsyndromic hearing loss 18A. Also called: DEAFNESS, AUTOSOMAL RECESSIVE 18; Deafness, autosomal recessive 18A. Identifiers: Orphanet 90636, MedGen C1865870, MONDO:0011192, OMIM 602092.
Usher syndrome type 1C. Also called: USHER SYNDROME, TYPE I, ACADIAN VARIETY. Identifiers: Orphanet 231169, Orphanet 886, MedGen C1848604, MONDO:0010171, OMIM 276904.

Allele frequency attached by ClinVar (database versions not stated): gnomAD exomes 0.00001.
gnomAD v4.1: 3 of 1,614,188 alleles (0.00019%); highest among the groups gnomAD compares: South Asian, 0.0011%; no homozygotes.

Submissions (4):

Labcorp Genetics (formerly Invitae), Labcorp
Classification: Pathogenic. Last evaluated: 2025-01-18. Review status: criteria provided, single submitter. Criteria: Invitae Variant Classification Sherloc (09022015). Collection method: clinical testing. Allele origin: germline.
Comment: This sequence change creates a premature translational stop signal (p.Glu344*) in the USH1C gene. It is expected to result in an absent or disrupted protein product. Loss-of-function variants in USH1C are known to be pathogenic (PMID: 10973247, 17407589, 20301442, 21203349). This variant is present in population databases (no rsID available, gnomAD 0.003%). This variant has not been reported in the literature in individuals affected with USH1C-related conditions. ClinVar contains an entry for this variant (Variation ID: 1076666). For these reasons, this variant has been classified as Pathogenic.

Natera, Inc.
Classification: Likely pathogenic for Usher syndrome type 1C. Last evaluated: 2024-05-29. Review status: criteria provided, single submitter. Criteria: Natera Variant Classification Schema (03/2026). Collection method: clinical testing. Allele origin: germline.
Comment: The c.1030G>T variant in USH1C is a nonsense variant predicted to introduce a stop codon at amino acid 344. This variant is expected to result in nonsense mediated decay, truncation, or a dysfunctional protein product. This variant is rare in the general population with a frequency below the threshold expected for the associated phenotype(s). Given the available evidence, this variant is classified as Likely Pathogenic.

Baylor Genetics
Classification: Likely pathogenic for Autosomal recessive nonsyndromic hearing loss 18A. Last evaluated: 2023-07-04. Review status: criteria provided, single submitter. Criteria: ACMG Guidelines, 2015. Collection method: clinical testing. Allele origin: unknown.

GeneDx
Classification: Pathogenic. Last evaluated: 2022-10-10. Review status: criteria provided, single submitter. Criteria: GeneDx Variant Classification Process June 2021. Collection method: clinical testing. Allele origin: germline. Affected: yes.
Comment: Nonsense variant predicted to result in protein truncation or nonsense mediated decay in a gene for which loss of function is a known mechanism of disease; Not observed at significant frequency in large population cohorts (gnomAD); Has not been previously published as pathogenic or benign to our knowledge

Literature cited by the submitters: PubMed 10973247 (cited by Labcorp Genetics (formerly Invitae), Labcorp); PubMed 17407589 (cited by Labcorp Genetics (formerly Invitae), Labcorp); PubMed 20301442 (cited by Labcorp Genetics (formerly Invitae), Labcorp); PubMed 21203349 (cited by Labcorp Genetics (formerly Invitae), Labcorp).

NM_153676.4(USH1C):c.1030G>T (p.Glu344Ter)

Gene: USH1C (USH1 protein network component harmonin; minus strand). Cytogenetic location: 11p15.1.
Variant type: single nucleotide variant.
Coding change: c.1030G>T on transcript NM_153676.4 (MANE Select); coding-DNA position 1030, G replaced by T.
Protein change: p.Glu344Ter; replaces glutamic acid 344 with a stop codon.
Molecular consequence: nonsense. On other transcripts: non-coding transcript variant (1).
Genome position (GRCh38, 1-based): chr11:17,521,401, C>A on the plus strand (G>T on the coding strand, the complement: USH1C is on the minus strand). VCF-style: chr11-17521401-C-A. GRCh37 (hg19) VCF-style: chr11-17542948-C-A.
Other names: c.973G>T, p.Glu325Ter (NM_001297764.2); c.1030G>T, p.Glu344Ter (NM_005709.4); c.1030G>T (NM_005709.3); short protein forms E325*, E344*.
Identifiers: ClinVar variation 1076666 (VCV001076666.10), dbSNP rs1278026061, ClinGen allele CA379786083.